The following is an entry in ClinVar:

NC_000002.12:g.(?_168935174)_(168935435_?)del

Gene: ABCB11 (ATP binding cassette subfamily B member 11; minus strand). Cytogenetic location: 2q31.1.
Variant type: Deletion.
Identifiers: ClinVar variation 832388 (VCV000832388.3).

ClinVar aggregate classification (germline): Pathogenic (1 of 4 stars; one submission).

Submission:

Labcorp Genetics (formerly Invitae), Labcorp
Classification: Pathogenic. Last evaluated: 2019-07-11. Review status: criteria provided, single submitter. Criteria: Invitae Variant Classification Sherloc (09022015). Collection method: clinical testing. Allele origin: germline.
Comment: This variant has not been reported in the literature in individuals with a ABCB11-related disease. This variant is an out-of-frame deletion of the genomic region encompassing exon 23 of the ABCB11 gene. This is expected to create a premature translational stop signal and result in an absent or disrupted protein product. Loss-of-function variants in ABCB11 are known to be pathogenic (PMID: 18395098, 20232290). For these reasons, this variant has been classified as Pathogenic.

Literature cited by the submitters: PubMed 18395098; PubMed 20232290.